The following is an entry in ClinVar:

NM_032043.3(BRIP1):c.2955T>G (p.Ile985Met)

Gene: BRIP1 (BRCA1 interacting DNA helicase 1; minus strand). Cytogenetic location: 17q23.2.
Variant type: single nucleotide variant.
Coding change: c.2955T>G on transcript NM_032043.3 (MANE Select); coding-DNA position 2955, T replaced by G.
Protein change: p.Ile985Met; replaces isoleucine 985 with methionine.
Molecular consequence: missense variant.
Genome position (GRCh38, 1-based): chr17:61,684,091, A>C on the plus strand (T>G on the coding strand, the complement: BRIP1 is on the minus strand). VCF-style: chr17-61684091-A-C. GRCh37 (hg19) VCF-style: chr17-59761452-A-C.
Other names: short protein forms I985M.
Identifiers: ClinVar variation 481630 (VCV000481630.6), dbSNP rs1555572950, ClinGen allele CA400480669.
Genomic context (GRCh38, chr17:61,684,091, plus strand): 5'-AAAGCTTGACCAGCTAACTCTCTTTGTTTGTTTGTTGAAAGTTGGGCTTGTGGATCTGGA[A>C]ATCACAATTTTTTCTGCTTTCCCTGCTTCTTCCAGGAATACTGGATCATCTAAGAATACA-3'
Protein context (NP_114432.2, residues 975-995): EEAGKAEKIV[Ile985Met]SRSTSPTFNK

ClinVar aggregate classification (germline): Uncertain significance. Review status: criteria provided, multiple submitters, no conflicts (2 of 4 stars). 2 submissions from 2 submitters: Uncertain significance (2). Last evaluated 2024-06-09.

Conditions:
Hereditary cancer-predisposing syndrome. Also called: Neoplastic Syndromes, Hereditary; Tumor predisposition; Hereditary Cancer Syndrome; Hereditary neoplastic syndrome. Identifiers: Orphanet 140162, MedGen C0027672, MeSH D009386, MONDO:0015356.

Allele frequency attached by ClinVar (database versions not stated): gnomAD exomes below 0.00001.
gnomAD v4.1: 1 of 1,613,628 alleles (0.000062%); highest among the groups gnomAD compares: Non-Finnish European, 0.000085%; no homozygotes.

Submissions (2):

GeneDx
Classification: Uncertain significance. Last evaluated: 2024-06-09. Review status: criteria provided, single submitter. Criteria: GeneDx Variant Classification Process June 2021. Collection method: clinical testing. Allele origin: germline. Affected: yes.
Comment: Not observed at significant frequency in large population cohorts (gnomAD); In silico analysis indicates that this missense variant does not alter protein structure/function; Has not been previously published as pathogenic or benign to our knowledge; This variant is associated with the following publications: (PMID: 11301010)

Ambry Genetics
Classification: Uncertain significance for Hereditary cancer-predisposing syndrome. Last evaluated: 2022-06-15. Review status: criteria provided, single submitter. Criteria: Ambry Variant Classification Scheme 2023. Collection method: clinical testing. Allele origin: germline.
Comment: The p.I985M variant (also known as c.2955T>G), located in coding exon 19 of the BRIP1 gene, results from a T to G substitution at nucleotide position 2955. The isoleucine at codon 985 is replaced by methionine, an amino acid with highly similar properties. This amino acid position is well conserved in available vertebrate species. In addition, this alteration is predicted to be tolerated by in silico analysis. Since supporting evidence is limited at this time, the clinical significance of this alteration remains unclear.